The following is an entry in ClinVar:

ClinVar aggregate classification (germline): Likely pathogenic (1 of 4 stars; one submission).

Conditions:
X-linked Alport syndrome (ATS1). Also called: NEPHROPATHY AND DEAFNESS, X-LINKED; COL4A5-Related Nephropathy. Identifiers: Orphanet 63, Orphanet 88917, MedGen C4746986, MONDO:0010520, OMIM 301050.

Submission:

Myriad Genetics, Inc.
Classification: Likely pathogenic for X-linked Alport syndrome. Last evaluated: 2020-01-06. Review status: criteria provided, single submitter. Criteria: Myriad Women's Health Autosomal Recessive and X-Linked Classification Criteria (2019). Collection method: clinical testing. Allele origin: unknown.
Comment: NM_000495.4(COL4A5):c.3151G>T(G1051*) is expected to be pathogenic in the context of X-linked Alport syndrome. This variant is predicted to lead to an abnormal or absent protein product due to the creation of a premature termination codon in COL4A5, a gene where loss-of-function variants are known to be pathogenic. Please note: this variant was assessed in the context of healthy population screening.

NM_033380.3(COL4A5):c.3151G>T (p.Gly1051Ter)

Gene: COL4A5 (collagen type IV alpha 5 chain; plus strand). Cytogenetic location: Xq22.3.
Variant type: single nucleotide variant.
Coding change: c.3151G>T on transcript NM_033380.3 (MANE Select); coding-DNA position 3151, G replaced by T.
Protein change: p.Gly1051Ter; replaces glycine 1051 with a stop codon.
Molecular consequence: nonsense.
Genome position (GRCh38, 1-based): chrX:108,626,254, G>T. VCF-style: chrX-108626254-G-T. GRCh37 (hg19) VCF-style: chrX-107869484-G-T.
Other names: c.3151G>T, p.Gly1051Ter (NM_000495.5); short protein forms G1051*.
Identifiers: ClinVar variation 984060 (VCV000984060.3), dbSNP rs2067151807, ClinGen allele CA413854930.